The following is an entry in ClinVar:

NM_017637.6(BNC2):c.3089G>C (p.Gly1030Ala)

Gene: BNC2 (basonuclin zinc finger protein 2; minus strand). Cytogenetic location: 9p22.3.
Variant type: single nucleotide variant.
Coding change: c.3089G>C on transcript NM_017637.6 (MANE Select); coding-DNA position 3089, G replaced by C.
Protein change: p.Gly1030Ala; replaces glycine 1030 with alanine.
Molecular consequence: missense variant. On other transcripts: 3 prime UTR variant (1).
Genome position (GRCh38, 1-based): chr9:16,419,200, C>G on the plus strand (G>C on the coding strand, the complement: BNC2 is on the minus strand). VCF-style: chr9-16419200-C-G. GRCh37 (hg19) VCF-style: chr9-16419198-C-G.
Other names: c.*433G>C (NM_001317939.2); c.2804G>C, p.Gly935Ala (NM_001317940.2); short protein forms G935A, G1030A.
Identifiers: ClinVar variation 4736946 (VCV004736946.1).

ClinVar aggregate classification (germline): Uncertain significance (1 of 4 stars; one submission).

gnomAD v4.1: 66 of 1,614,084 alleles (0.0041%); highest among the groups gnomAD compares: Non-Finnish European, 0.0053%; no homozygotes.

Submission:

Labcorp Genetics (formerly Invitae), Labcorp
Classification: Uncertain significance. Last evaluated: 2025-10-16. Review status: criteria provided, single submitter. Criteria: Invitae Variant Classification Sherloc (09022015). Collection method: clinical testing. Allele origin: germline.
Comment: This sequence change replaces glycine, which is neutral and non-polar, with alanine, which is neutral and non-polar, at codon 1030 of the BNC2 protein (p.Gly1030Ala). This variant is present in population databases (rs372397169, gnomAD 0.003%). This variant has not been reported in the literature in individuals affected with BNC2-related conditions. An algorithm developed to predict the effect of missense changes on protein structure and function (PolyPhen-2) suggests that this variant is likely to be tolerated. In summary, the available evidence is currently insufficient to determine the role of this variant in disease. Therefore, it has been classified as a Variant of Uncertain Significance.